The following is an entry in ClinVar:

ClinVar aggregate classification (germline): Uncertain significance (1 of 4 stars; one submission).

Allele frequency attached by ClinVar (database versions not stated): TOPMed 0.00001.
gnomAD v4.1: 3 of 1,607,582 alleles (0.00019%); highest among the groups gnomAD compares: Admixed American, 0.0017%; no homozygotes.

Submission:

Labcorp Genetics (formerly Invitae), Labcorp
Classification: Uncertain significance. Last evaluated: 2025-07-29. Review status: criteria provided, single submitter. Criteria: Invitae Variant Classification Sherloc (09022015). Collection method: clinical testing. Allele origin: germline.
Comment: This sequence change replaces alanine, which is neutral and non-polar, with serine, which is neutral and polar, at codon 392 of the IFT88 protein (p.Ala392Ser). This variant is not present in population databases (gnomAD no frequency). This variant has not been reported in the literature in individuals affected with IFT88-related conditions. ClinVar contains an entry for this variant (Variation ID: 1983805). An algorithm developed to predict the effect of missense changes on protein structure and function (PolyPhen-2) suggests that this variant is likely to be disruptive. In summary, the available evidence is currently insufficient to determine the role of this variant in disease. Therefore, it has been classified as a Variant of Uncertain Significance.

NM_006531.5(IFT88):c.1147G>T (p.Ala383Ser)

Gene: IFT88 (intraflagellar transport 88; plus strand). Cytogenetic location: 13q12.11.
Variant type: single nucleotide variant.
Coding change: c.1147G>T on transcript NM_006531.5 (MANE Select); coding-DNA position 1147, G replaced by T.
Protein change: p.Ala383Ser; replaces alanine 383 with serine.
Molecular consequence: missense variant. On other transcripts: non-coding transcript variant (5), intron variant (1).
Genome position (GRCh38, 1-based): chr13:20,615,827, G>T. VCF-style: chr13-20615827-G-T. GRCh37 (hg19) VCF-style: chr13-21189966-G-T.
Other names: c.1090G>T, p.Ala364Ser (NM_001318491.2, NM_001353575.2); c.1174G>T, p.Ala392Ser (NM_001318493.2, NM_001353565.2, NM_001353566.2 and 2 more transcripts); c.1147G>T, p.Ala383Ser (NM_001353568.2, NM_001353572.2); c.1072G>T, p.Ala358Ser (NM_001353569.2, NM_001353570.2, NM_001353576.2 and 1 more transcripts); c.1045G>T, p.Ala349Ser (NM_001353571.2, NM_001353578.2); c.988G>T, p.Ala330Ser (NM_001353574.2); c.514G>T, p.Ala172Ser (NM_001353579.2); c.1056-9923G>T (NM_001353573.2); short protein forms A364S, A172S, A330S, A358S, A383S, A349S, A392S.
Identifiers: ClinVar variation 1983805 (VCV001983805.4), dbSNP rs1325301474, ClinGen allele CA387476931.